The following is an entry in ClinVar:

ClinVar aggregate classification (germline): Conflicting classifications of pathogenicity. Review status: criteria provided, conflicting classifications (1 of 4 stars). 7 submissions from 7 submitters: Pathogenic (1); Likely pathogenic (4); Uncertain significance (1). 1 of the submissions does not count toward it. Last evaluated 2025-08-04.

Conditions:
Wilson disease (WND). Also called: Wilson's disease. Identifiers: Orphanet 905, MedGen C0019202, MONDO:0010200, OMIM 277900. Disease mechanism: loss of function.

Submissions (7):

GeneDx
Classification: Likely pathogenic. Last evaluated: 2025-08-04. Review status: criteria provided, single submitter. Criteria: GeneDx Variant Classification Process June 2021. Collection method: clinical testing. Allele origin: germline. Affected: yes.
Comment: Not observed at significant frequency in large population cohorts (gnomAD); In silico analysis supports that this missense variant has a deleterious effect on protein structure/function; This variant is associated with the following publications: (PMID: 22692182, 10544227)

Fulgent Genetics
Classification: Likely pathogenic for Wilson disease. Last evaluated: 2024-04-03. Review status: criteria provided, single submitter. Criteria: ACMG Guidelines, 2015. Collection method: clinical testing. Allele origin: germline.

Labcorp Genetics (formerly Invitae), Labcorp
Classification: Pathogenic for Wilson disease. Last evaluated: 2023-12-19. Review status: criteria provided, single submitter. Criteria: Invitae Variant Classification Sherloc (09022015). Collection method: clinical testing. Allele origin: germline.
Comment: This sequence change replaces glutamic acid, which is acidic and polar, with glycine, which is neutral and non-polar, at codon 1068 of the ATP7B protein (p.Glu1068Gly). This variant is not present in population databases (gnomAD no frequency). This missense change has been observed in individual(s) with Wilson disease (PMID: 10544227). In at least one individual the data is consistent with being in trans (on the opposite chromosome) from a pathogenic variant. ClinVar contains an entry for this variant (Variation ID: 550668). Advanced modeling of protein sequence and biophysical properties (such as structural, functional, and spatial information, amino acid conservation, physicochemical variation, residue mobility, and thermodynamic stability) performed at Invitae indicates that this missense variant is expected to disrupt ATP7B protein function with a positive predictive value of 80%. For these reasons, this variant has been classified as Pathogenic.

Genome-Nilou Lab
Classification: Likely pathogenic for Wilson disease. Last evaluated: 2021-08-10. Review status: criteria provided, single submitter. Criteria: ACMG Guidelines, 2015. Collection method: clinical testing. Allele origin: germline. Affected: no.

ARUP Laboratories, Molecular Genetics and Genomics, ARUP Laboratories
Classification: Uncertain significance for Wilson disease. Last evaluated: 2021-07-02. Review status: criteria provided, single submitter. Criteria: ARUP Molecular Germline Variant Investigation Process 2021. Collection method: clinical testing. Allele origin: germline.
Comment: The ATB7B c.3203A>G; p.Glu1068Gly variant (rs1555286478) is reported in the literature in an individual affected with Wilson disease (Loudianos 1999). This variant is reported in ClinVar (Variation ID: 550668). This variant is absent from the Genome Aggregation Database, indicating it is not a common polymorphism. The glutamic acid at codon 1068 is highly conserved, and computational analyses predict that this variant is deleterious (REVEL: 0.969). However, given the lack of clinical and functional data, the significance of the p.Glu1068Gly variant is uncertain at this time. References: Loudianos G et al. Mutation analysis in patients of Mediterranean descent with Wilson disease: identification of 19 novel mutations. J Med Genet. 1999 Nov;36(11):833-6. PMID: 10544227.

Mayo Clinic Laboratories, Mayo Clinic
Classification: Likely pathogenic. Last evaluated: 2020-10-19. Review status: criteria provided, single submitter. Criteria: ACMG Guidelines, 2015. Collection method: clinical testing. Allele origin: germline.
Comment: PP3, PM1, PM2_moderate, PM3_supporting

Counsyl
Classification: Uncertain significance for Wilson disease. Last evaluated: 2017-02-07. Review status: no assertion criteria provided. Collection method: clinical testing. Allele origin: unknown. Not counted in ClinVar's aggregate classification.

Literature cited by the submitters: PubMed 10544227 (cited by 3 submitters).

NM_000053.4(ATP7B):c.3203A>G (p.Glu1068Gly)

Gene: ATP7B (ATPase copper transporting beta; minus strand). Cytogenetic location: 13q14.3.
Variant type: single nucleotide variant.
Coding change: c.3203A>G on transcript NM_000053.4 (MANE Select); coding-DNA position 3203, A replaced by G.
Protein change: p.Glu1068Gly; replaces glutamic acid 1068 with glycine.
Molecular consequence: missense variant.
Genome position (GRCh38, 1-based): chr13:51,944,149, T>C on the plus strand (A>G on the coding strand, the complement: ATP7B is on the minus strand). VCF-style: chr13-51944149-T-C. GRCh37 (hg19) VCF-style: chr13-52518285-T-C.
Other names: c.2582A>G, p.Glu861Gly (NM_001005918.3); c.2870A>G, p.Glu957Gly (NM_001243182.2); c.2969A>G, p.Glu990Gly (NM_001330578.2); c.2951A>G, p.Glu984Gly (NM_001330579.2); short protein forms E1068G, E957G, E861G, E984G, E990G.
Identifiers: ClinVar variation 550668 (VCV000550668.27), dbSNP rs1555286478, ClinGen allele CA388029904.